The following is an entry in ClinVar:

ClinVar aggregate classification (germline): Pathogenic/Likely pathogenic. Review status: criteria provided, multiple submitters, no conflicts (2 of 4 stars). 3 submissions from 3 submitters: Pathogenic (1); Likely pathogenic (1). 1 of the submissions does not count toward it. Last evaluated 2026-06-20.

Conditions:
Pyruvate dehydrogenase E1-alpha deficiency (PDHAD). Also called: ATAXIA, INTERMITTENT, WITH PYRUVATE DEHYDROGENASE DEFICIENCY; ATAXIA WITH LACTIC ACIDOSIS I; ATAXIA, INTERMITTENT, WITH ABNORMAL PYRUVATE METABOLISM; Ataxia, intermittent, with pyruvate dehydrogenase, or decarboxylase, deficiency. Identifiers: Orphanet 79243, MedGen C1839413, MONDO:0010717, OMIM 312170.

Submissions (3):

Molecular Genetics laboratory, Necker Hospital
Classification: Pathogenic for Pyruvate dehydrogenase E1-alpha deficiency. Last evaluated: 2026-06-20. Review status: criteria provided, single submitter. Criteria: ACMG Guidelines, 2015. Collection method: clinical testing. Allele origin: de novo. Affected: yes. Observed: 1 variant allele.
Comment: The NM_000284.3(PDHA1):c.394C>T is a nonsense variant in PDHA1 which is predicted to result in a premature STOP codonat position 132 and likely results in an absent or disrupted protein product in a gene where loss-of-function is a known mechanism of disease (PVS1). This variant is not present in gnomAD (PM2; version 4.1.1). This variant has already been reported as Likely Pathogenic in Clinvar (variation ID: 4070313). In summary, this variant meets criteria to be classified as pathogenic for pyruvate dehydrogenase E1-alpha deficiency syndrome based on the ACMG/AMP criteria applied: PVS1, PS2, PM2 (PMID: 25741868).

Diagnostics Services (NGS), CSIR - Centre For Cellular And Molecular Biology
Classification: Likely pathogenic for Pyruvate dehydrogenase E1-alpha deficiency. Last evaluated: 2026-02-13. Review status: criteria provided, single submitter. Criteria: ACMG Guidelines, 2015. Collection method: clinical testing. Allele origin: germline. Affected: yes. Observed: 1 variant allele, 1 heterozygote.
Comment: The c.394C>T variant is not present in publicly available population databases like 1000 Genomes, EVS, gnomAD, Indian Exome Database, gnomAD or our internal database. This variant has neither been published in the literature for PDHA1-related conditions nor reported to clinical databases like Human Genome Mutation Database (HGMD), ClinVar or OMIM in any affected individuals. In-silico pathogenicity prediction programs like MutationTaster2021, CADD, Franklin, Varsome, InterVar, etc. predicted this variant to be likely deleterious. This variant creates a premature translational stop signal at the 132nd amino acid position of the wild-type transcript that may either result in translation of a truncated protein or cause nonsense-mediated decay of the mRNA.

PDHA1 Study Group, University Children’s Hospital, Paracelsus Medical University
Classification: Pathogenic for Pyruvate dehydrogenase E1-alpha deficiency. Last evaluated: 2024-10-15. Review status: no assertion criteria provided. Collection method: research. Allele origin: de novo. Affected: yes. Observed: 1 variant allele. Not counted in ClinVar's aggregate classification.
Comment: The NM_000284.3:c.394C>T (p.Arg132Ter) change is a nonsense variant in PDHA1 gene. This variant is predicted to result in nonsense-mediated decay (NMD). Among them, 1 case had confirmed de novo occurrence. Last literature search: July 12, 2024. This variant is absent or extremely rare in population-based cohorts in the Genome Aggregation Database (gnomAD). Individuals harboring this variant presented with clinical features compatible with PDHA1-related PDHc deficiency. In summary, this variant meets criteria to be classified as pathogenic (P) for PDHA1-related PDHc deficiency based on the ACMG/AMP criteria applied: PVS1, PS2, PM2 (last assessment October 15, 2024).

Literature cited by the submitters: DOI 10.1093/brain/awaf430 (cited by PDHA1 Study Group, University Children’s Hospital, Paracelsus Medical University).

NM_000284.4(PDHA1):c.394C>T (p.Arg132Ter)

Gene: PDHA1 (pyruvate dehydrogenase E1 subunit alpha 1; plus strand). Cytogenetic location: Xp22.12.
Variant type: single nucleotide variant.
Coding change: c.394C>T on transcript NM_000284.4 (MANE Select); coding-DNA position 394, C replaced by T.
Protein change: p.Arg132Ter; replaces arginine 132 with a stop codon.
Molecular consequence: nonsense.
Genome position (GRCh38, 1-based): chrX:19,351,383, C>T. VCF-style: chrX-19351383-C-T. GRCh37 (hg19) VCF-style: chrX-19369501-C-T.
Other names: c.508C>T, p.Arg170Ter (NM_001173454.2); c.415C>T, p.Arg139Ter (NM_001173455.2); c.394C>T, p.Arg132Ter (NM_001173456.2); short protein forms R132*, R139*, R170*.
Identifiers: ClinVar variation 4070313 (VCV004070313.3).